The following is an entry in ClinVar:

ClinVar aggregate classification (germline): Likely benign. Review status: criteria provided, multiple submitters, no conflicts (2 of 4 stars). 2 submissions from 2 submitters: Likely benign (2). Last evaluated 2021-11-17.

Allele frequency attached by ClinVar (database versions not stated): 1000 Genomes Project 30x 0.00016; gnomAD 0.00003; 1000 Genomes Project 0.00020; TOPMed 0.00002.
gnomAD v4.1: 25 of 1,610,212 alleles (0.0016%); highest among the groups gnomAD compares: East Asian, 0.049%; no homozygotes.

Submissions (2):

Blueprint Genetics
Classification: Likely benign. Last evaluated: 2021-11-17. Review status: criteria provided, single submitter. Criteria: ACMG Guidelines, 2015. Collection method: clinical testing. Allele origin: germline.

Laboratory for Molecular Medicine, Mass General Brigham Personalized Medicine
Classification: Likely benign. Last evaluated: 2014-11-24. Review status: criteria provided, single submitter. Criteria: LMM Criteria. Collection method: clinical testing. Allele origin: germline. Observed: 1 variant allele.
Comment: Pro69Pro in exon 2 of SOX10: This variant is not expected to have clinical signi ficance because it does not alter an amino acid residue and is not located withi n the splice consensus sequence. It has been identified in 0.5% (1/194) of Han C hinese chromosomes from a broad population by the 1000 Genomes Project (dbSNP rs199963686).

NM_006941.4(SOX10):c.207C>T (p.Pro69=)

Genes: POLR2F (RNA polymerase II, I and III subunit F; plus strand), SOX10 (SRY-box transcription factor 10; minus strand). Cytogenetic location: 22q13.1.
Variant type: single nucleotide variant.
Coding change: c.207C>T on transcript NM_006941.4 (MANE Select); coding-DNA position 207, C replaced by T.
Protein change: p.Pro69=; no amino-acid change (proline 69 retained).
Molecular consequence: synonymous variant. On other transcripts: intron variant (3).
Genome position (GRCh38, 1-based): chr22:37,983,578, G>A on the plus strand (C>T on the coding strand, the complement: SOX10 is on the minus strand). VCF-style: chr22-37983578-G-A. GRCh37 (hg19) VCF-style: chr22-38379585-G-A.
Other names: c.*38+11268G>A (NM_001363825.1); c.294-2576G>A (NM_001301130.2); c.293+16408G>A (NM_001301131.2).
Identifiers: ClinVar variation 227959 (VCV000227959.7), dbSNP rs199963686, ClinGen allele CA10228711.